The following is an entry in ClinVar:

ClinVar aggregate classification (germline): Uncertain significance (1 of 4 stars; one submission).

Allele frequency attached by ClinVar (database versions not stated): ExAC 0.00001; gnomAD exomes below 0.00001; gnomAD 0.00001; TOPMed 0.00001; ESP Exome Variant Server 0.00008.

Submission:

Labcorp Genetics (formerly Invitae), Labcorp
Classification: Uncertain significance. Last evaluated: 2025-07-22. Review status: criteria provided, single submitter. Criteria: Invitae Variant Classification Sherloc (09022015). Collection method: clinical testing. Allele origin: germline.
Comment: This sequence change replaces histidine, which is basic and polar, with arginine, which is basic and polar, at codon 479 of the PPP2R1A protein (p.His479Arg). This variant is present in population databases (rs141690261, gnomAD 0.0009%). This variant has not been reported in the literature in individuals affected with PPP2R1A-related conditions. ClinVar contains an entry for this variant (Variation ID: 2730740). Invitae Evidence Modeling of protein sequence and biophysical properties (such as structural, functional, and spatial information, amino acid conservation, physicochemical variation, residue mobility, and thermodynamic stability) indicates that this missense variant is not expected to disrupt PPP2R1A protein function with a negative predictive value of 80%. In summary, the available evidence is currently insufficient to determine the role of this variant in disease. Therefore, it has been classified as a Variant of Uncertain Significance.

NM_014225.6(PPP2R1A):c.1436A>G (p.His479Arg)

Gene: PPP2R1A (protein phosphatase 2 scaffold subunit Aalpha; plus strand). Cytogenetic location: 19q13.41.
Variant type: single nucleotide variant.
Coding change: c.1436A>G on transcript NM_014225.6 (MANE Select); coding-DNA position 1436, A replaced by G.
Protein change: p.His479Arg; replaces histidine 479 with arginine.
Molecular consequence: missense variant. On other transcripts: non-coding transcript variant (1).
Genome position (GRCh38, 1-based): chr19:52,221,051, A>G. VCF-style: chr19-52221051-A-G. GRCh37 (hg19) VCF-style: chr19-52724304-A-G.
Other names: c.899A>G, p.His300Arg (NM_001363656.2); short protein forms H300R, H479R.
Identifiers: ClinVar variation 2730740 (VCV002730740.3), dbSNP rs141690261, ClinGen allele CA9621600.